The following is an entry in ClinVar:

NM_002439.5(MSH3):c.2441dup (p.Ser815fs)

Gene: MSH3 (mutS homolog 3; plus strand). Cytogenetic location: 5q14.1.
Variant type: Duplication.
Coding change: c.2441dup on transcript NM_002439.5 (MANE Select); coding-DNA position 2441, one base duplicated (T; older notation c.2441dupT).
Protein change: p.Ser815fs; shifts the reading frame from serine 815.
Molecular consequence: frameshift variant.
Genome position (GRCh38, 1-based): chr5:80,787,570, T duplicated; the last of 2 consecutive T bases (chr5:80,787,569-80,787,570); duplicating either gives the same sequence. VCF-style (leftmost placement, unchanged base first): chr5-80787568-A-AT. GRCh37 (hg19) VCF-style: chr5-80083387-A-AT.
Other names: short protein forms S815fs.
Identifiers: ClinVar variation 2123728 (VCV002123728.4), dbSNP rs2546784276, ClinGen allele CA2580073532.

ClinVar aggregate classification (germline): Pathogenic (1 of 4 stars; one submission).

Submission:

Labcorp Genetics (formerly Invitae), Labcorp
Classification: Pathogenic. Last evaluated: 2022-04-09. Review status: criteria provided, single submitter. Criteria: Invitae Variant Classification Sherloc (09022015). Collection method: clinical testing. Allele origin: germline.
Comment: This variant has not been reported in the literature in individuals affected with MSH3-related conditions. For these reasons, this variant has been classified as Pathogenic. This variant is not present in population databases (gnomAD no frequency). This sequence change creates a premature translational stop signal (p.Ser815Glnfs*2) in the MSH3 gene. It is expected to result in an absent or disrupted protein product. Loss-of-function variants in MSH3 are known to be pathogenic (PMID: 27476653).

Literature cited by the submitters: PubMed 27476653.